The following is an entry in ClinVar:

NM_000059.4(BRCA2):c.4271del (p.Ser1424fs)

Gene: BRCA2 (BRCA2 DNA repair associated; plus strand). Cytogenetic location: 13q13.1.
Variant type: Deletion.
Coding change: c.4271del on transcript NM_000059.4 (MANE Select); coding-DNA position 4271, one base deleted (C; older notation c.4271delC).
Protein change: p.Ser1424fs; shifts the reading frame from serine 1424.
Molecular consequence: frameshift variant.
Genome position (GRCh38, 1-based): chr13:32,338,626, C deleted. VCF-style (leftmost placement, unchanged base first): chr13-32338625-TC-T. GRCh37 (hg19) VCF-style: chr13-32912762-TC-T.
Other names: 4499delC; c.4271delC (NM_000059.3).
Identifiers: ClinVar variation 51624 (VCV000051624.4), dbSNP rs80359437, ClinGen allele CA019882.
Genomic context (GRCh38, chr13:32,338,625, plus strand): 5'-TCAAATAAAGAACAGTTAACTGCTACTAAAACGGAGCAAAATATAAAAGATTTTGAGACT[TC>T]TGATACATTTTTTCAGACTGCAAGTGGGAAAAATATTAGTGTCGCCAAAGAGTCATTTAA-3'

ClinVar aggregate classification (germline): Pathogenic. Review status: reviewed by expert panel (3 of 4 stars). 4 submissions from 4 submitters: Pathogenic (1). 3 of the submissions do not count toward it. Last evaluated 2016-09-08.

Conditions:
Hereditary breast ovarian cancer syndrome. Also called: Hereditary breast and ovarian cancer syndrome; Hereditary breast and ovarian cancer; Hereditary breast and ovarian cancer syndrome (HBOC); Breast and ovarian cancer; Hereditary breast and/or ovarian cancer syndrome; BRCA1- and BRCA2-Associated Hereditary Breast and Ovarian Cancer. Identifiers: Orphanet 145, MedGen C0677776, MeSH D061325, MONDO:0003582. Disease mechanism: loss of function.
Breast-ovarian cancer, familial, susceptibility to, 2 (BROVCA2). Also called: BRCA2 Hereditary Breast and Ovarian Cancer. Identifiers: Orphanet 145, MedGen C2675520, MONDO:0012933, OMIM 612555. Disease mechanism: loss of function.

Submissions (4):

Evidence-based Network for the Interpretation of Germline Mutant Alleles (ENIGMA)
Classification: Pathogenic for Breast-ovarian cancer, familial, susceptibility to, 2. Last evaluated: 2016-09-08. Review status: reviewed by expert panel. Criteria: ENIGMA BRCA1/2 Classification Criteria (2015). Collection method: curation. Allele origin: germline.
Comment: Variant allele predicted to encode a truncated non-functional protein.

Women's Health and Genetics/Laboratory Corporation of America, LabCorp
Classification: Pathogenic for Hereditary breast and ovarian cancer syndrome. Last evaluated: 2020-05-26. Review status: criteria provided, single submitter. Criteria: LabCorp Variant Classification Summary - May 2015. Collection method: clinical testing. Allele origin: germline. Not counted in ClinVar's aggregate classification.
Comment: Variant summary: BRCA2 c.4271delC (p.Ser1424LeufsX24) results in a premature termination codon, predicted to cause a truncation of the encoded protein or absence of the protein due to nonsense mediated decay, which are commonly known mechanisms for disease. Truncations downstream of this position have been classified as pathogenic by our laboratory. The variant was absent in 245096 control chromosomes. c.4271delC has been reported in the literature in at-least one individual affected with Hereditary Breast And Ovarian Cancer Syndrome (example, Rebbeck_2018). To our knowledge, no experimental evidence demonstrating an impact on protein function has been reported. One expert panel (ENIGMA) and one submitter (CIMBA) have submitted clinical-significance assessments for this variant to ClinVar after 2014 without evidence for independent evaluation. All submitters classified the variant as pathogenic. Based on the evidence outlined above, the variant was classified as pathogenic.

Consortium of Investigators of Modifiers of BRCA1/2 (CIMBA), c/o University of Cambridge
Classification: Pathogenic for Breast-ovarian cancer, familial, susceptibility to, 2. Last evaluated: 2015-10-02. Review status: criteria provided, single submitter. Criteria: CIMBA Mutation Classification guidelines May 2016. Collection method: clinical testing. Allele origin: germline. Not counted in ClinVar's aggregate classification.

Breast Cancer Information Core (BIC) (BRCA2)
Classification: Pathogenic for Breast-ovarian cancer, familial 2. Last evaluated: 2003-12-23. Review status: no assertion criteria provided. Collection method: clinical testing. Allele origin: germline. Affected: yes. Observed: 1 variant allele. Not counted in ClinVar's aggregate classification.

Literature cited by the submitters: PubMed 29446198 (cited by Women's Health and Genetics/Laboratory Corporation of America, LabCorp).